The following is an entry in ClinVar:

NM_001318852.2(MAPK8IP3):c.2445C>G (p.Pro815=)

Gene: MAPK8IP3 (mitogen-activated protein kinase 8 interacting protein 3; plus strand). Cytogenetic location: 16p13.3.
Variant type: single nucleotide variant.
Coding change: c.2445C>G on transcript NM_001318852.2 (MANE Select); coding-DNA position 2445, C replaced by G.
Protein change: p.Pro815=; no amino-acid change (proline 815 retained).
Molecular consequence: synonymous variant.
Genome position (GRCh38, 1-based): chr16:1,765,177, C>G. VCF-style: chr16-1765177-C-G. GRCh37 (hg19) VCF-style: chr16-1815178-C-G.
Other names: c.2424C>G, p.Pro808= (NM_001040439.2); c.2442C>G, p.Pro814= (NM_015133.5, NM_033392.3).
Identifiers: ClinVar variation 2645926 (VCV002645926.24), dbSNP rs200864564, ClinGen allele CA7817263.

ClinVar aggregate classification (germline): Likely benign (1 of 4 stars; one submission).

gnomAD v4.1: 112 of 1,588,650 alleles (0.0071%); highest among the groups gnomAD compares: Non-Finnish European, 0.0089%; no homozygotes.

Submission:

CeGaT Center for Human Genetics Tuebingen
Classification: Likely benign. Last evaluated: 2024-04-01. Review status: criteria provided, single submitter. Criteria: CeGaT Center For Human Genetics Tuebingen Variant Classification Criteria Version 2. Collection method: clinical testing. Allele origin: germline. Affected: yes. Observed: 2 variant alleles.
Comment: MAPK8IP3: BP4, BP7